The following is an entry in ClinVar:

ClinVar aggregate classification (germline): Pathogenic (3 of 4 stars; one submission).

Conditions:
Glanzmann thrombasthenia. Also called: PLATELET GLYCOPROTEIN IIb-IIIa DEFICIENCY; BLEEDING DISORDER, PLATELET-TYPE, 2; THROMBASTHENIA OF GLANZMANN AND NAEGELI; Thrombasthenia; Glanzmann's thrombasthenia. Identifiers: Orphanet 849, MedGen C0040015, MONDO:0100326.

Submission:

ClinGen Platelet Disorders Variant Curation Expert Panel, ClinGen
Classification: Pathogenic for Glanzmann thrombasthenia. Last evaluated: 2022-12-01. Review status: reviewed by expert panel. Criteria: ClinGen Platelet ACMG Specifications v2-1. Collection method: curation. Allele origin: germline. Inheritance: Autosomal recessive inheritance.
Comment: NM_000419.5(ITGA2B):c.113del (p.Gln38ArgfsTer73) found in a homozygous proband (PMID: 29084015; PM3_supporting) causes a premature stop codon at exon 3 and is predicted to undergo nonsense mediated decay (PVS1). The affected individual displayed abnormal bleeding and an impaired response to agonists, with a normal response to ristocetin, which is characteristic of GT. Additionally, αIIbβ3 surface expression was absent (<25%), as measured by flow cytometry (PP4_strong). The variant was not found in gnomAD v2.1.1 (PM2_supporting). In conclusion the criteria PVS1, PP4_strong, PM2_supporting, and PM3_supporting, were applied to reach a classification of pathogenic.

NM_000419.5(ITGA2B):c.113del (p.Gln38fs)

Gene: ITGA2B (integrin subunit alpha 2b; minus strand). Cytogenetic location: 17q21.31.
Variant type: Deletion.
Coding change: c.113del on transcript NM_000419.5 (MANE Select); coding-DNA position 113, one base deleted (A; older notation c.113delA).
Protein change: p.Gln38fs; shifts the reading frame from glutamine 38.
Molecular consequence: frameshift variant.
Genome position (GRCh38, 1-based): chr17:44,389,361, T deleted on the plus strand (A on the coding strand, the reverse complement: ITGA2B is on the minus strand). VCF-style (leftmost placement, unchanged base first): chr17-44389360-CT-C. GRCh37 (hg19) VCF-style: chr17-42466728-CT-C.
Other names: NM_000419.5:c.113del; short protein forms Q38fs.
Identifiers: ClinVar variation 1879061 (VCV001879061.1), dbSNP rs2510088074, ClinGen allele CA915940264.